The following is an entry in ClinVar:

NM_001171.6(ABCC6):c.2678C>G (p.Ser893Ter)

Gene: ABCC6 (ATP binding cassette subfamily C member 6; minus strand). Cytogenetic location: 16p13.11.
Variant type: single nucleotide variant.
Coding change: c.2678C>G on transcript NM_001171.6 (MANE Select); coding-DNA position 2678, C replaced by G.
Protein change: p.Ser893Ter; replaces serine 893 with a stop codon.
Molecular consequence: nonsense. On other transcripts: non-coding transcript variant (1).
Genome position (GRCh38, 1-based): chr16:16,173,393, G>C on the plus strand (C>G on the coding strand, the complement: ABCC6 is on the minus strand). VCF-style: chr16-16173393-G-C. GRCh37 (hg19) VCF-style: chr16-16267250-G-C.
Other names: c.2336C>G, p.Ser779Ter (NM_001351800.1); short protein forms S893*, S779*.
Identifiers: ClinVar variation 433523 (VCV000433523.7), dbSNP rs1481200467, ClinGen allele CA394886274.

ClinVar aggregate classification (germline): Pathogenic. Review status: criteria provided, single submitter (1 of 4 stars). 2 submissions from 2 submitters: Pathogenic (1). 1 of the submissions does not count toward it. Last evaluated 2023-11-21.

Conditions:
Autosomal recessive inherited pseudoxanthoma elasticum (PXE). Identifiers: Orphanet 758, MedGen CN032334, MONDO:0009925, OMIM 264800.

Allele frequency attached by ClinVar (database versions not stated): gnomAD 0.00001; TOPMed 0.00002.
gnomAD v4.1: 7 of 1,613,974 alleles (0.00043%); highest among the groups gnomAD compares: Admixed American, 0.0017%; no homozygotes.

Submissions (2):

Labcorp Genetics (formerly Invitae), Labcorp
Classification: Pathogenic. Last evaluated: 2023-11-21. Review status: criteria provided, single submitter. Criteria: Invitae Variant Classification Sherloc (09022015). Collection method: clinical testing. Allele origin: germline.
Comment: This sequence change creates a premature translational stop signal (p.Ser893*) in the ABCC6 gene. It is expected to result in an absent or disrupted protein product. Loss-of-function variants in ABCC6 are known to be pathogenic (PMID: 11536079, 17617515). This variant is not present in population databases (gnomAD no frequency). This premature translational stop signal has been observed in individual(s) with pseudoxanthoma elasticum (PMID: 28102862). ClinVar contains an entry for this variant (Variation ID: 433523). For these reasons, this variant has been classified as Pathogenic.

PXE International
Classification: Likely pathogenic for Autosomal recessive inherited pseudoxanthoma elasticum. Last evaluated: 2021-03-02. Review status: no assertion criteria provided. Collection method: research. Allele origin: germline. Inheritance: Autosomal recessive inheritance. Affected: yes. Observed: 1 variant allele. Not counted in ClinVar's aggregate classification.

Literature cited by the submitters: PubMed 11536079 (cited by Labcorp Genetics (formerly Invitae), Labcorp); PubMed 17617515 (cited by Labcorp Genetics (formerly Invitae), Labcorp); PubMed 28102862 (cited by Labcorp Genetics (formerly Invitae), Labcorp).